The following is an entry in ClinVar:

NM_000257.4(MYH7):c.2700T>G (p.Asp900Glu)

Gene: MYH7 (myosin heavy chain 7; minus strand). Cytogenetic location: 14q11.2.
Variant type: single nucleotide variant.
Coding change: c.2700T>G on transcript NM_000257.4 (MANE Select); coding-DNA position 2700, T replaced by G.
Protein change: p.Asp900Glu; replaces aspartic acid 900 with glutamic acid.
Molecular consequence: missense variant.
Genome position (GRCh38, 1-based): chr14:23,424,129, A>C on the plus strand (T>G on the coding strand, the complement: MYH7 is on the minus strand). VCF-style: chr14-23424129-A-C. GRCh37 (hg19) VCF-style: chr14-23893338-A-C.
Other names: short protein forms D900E.
Identifiers: ClinVar variation 1038786 (VCV001038786.8), dbSNP rs730880755, ClinGen allele CA389047343.

ClinVar aggregate classification (germline): Uncertain significance (1 of 4 stars; one submission).

Conditions:
Hypertrophic cardiomyopathy. Also called: HYPERTROPHIC MYOCARDIOPATHY. Identifiers: Orphanet 217569, MedGen C0007194, MeSH D002312, MONDO:0005045, HP:0001639.

Submission:

Labcorp Genetics (formerly Invitae), Labcorp
Classification: Uncertain significance for Hypertrophic cardiomyopathy. Last evaluated: 2021-06-11. Review status: criteria provided, single submitter. Criteria: Invitae Variant Classification Sherloc (09022015). Collection method: clinical testing. Allele origin: germline.
Comment: This sequence change replaces aspartic acid with glutamic acid at codon 900 of the MYH7 protein (p.Asp900Glu). The aspartic acid residue is highly conserved and there is a small physicochemical difference between aspartic acid and glutamic acid. This variant is not present in population databases (ExAC no frequency). This missense change has been observed in individual(s) with clinical features of hypertrophic cardiomyopathy (PMID: 24793961, 27532257, 31006259, Invitae). ClinVar contains an entry for this variant (Variation ID: 1038786). Algorithms developed to predict the effect of missense changes on protein structure and function (SIFT, PolyPhen-2, Align-GVGD) all suggest that this variant is likely to be disruptive, but these predictions have not been confirmed by published functional studies and their clinical significance is uncertain. This variant is found within a region of MYH7 between codons 181 and 937 that contains the majority of the myosin head domain. Missense variants in this region have been shown to be significantly overrepresented in individuals with hypertrophic cardiomyopathy (PMID: 27532257). In summary, the available evidence is currently insufficient to determine the role of this variant in disease. Therefore, it has been classified as a Variant of Uncertain Significance.

Literature cited by the submitters: PubMed 24793961; PubMed 27532257; PubMed 31006259.